The following is an entry in ClinVar:

ClinVar aggregate classification (germline): Benign/Likely benign. Review status: criteria provided, multiple submitters, no conflicts (2 of 4 stars). 4 submissions from 4 submitters: Benign (3); Likely benign (1). Last evaluated 2026-09-01.

Conditions:
TCF7L2-related disorder. Also called: TCF7L2-related condition.

Allele frequency attached by ClinVar (database versions not stated): 1000 Genomes Project 0.00260; TOPMed 0.00265; 1000 Genomes Project 30x 0.00281.

Submissions (4):

CeGaT Center for Human Genetics Tuebingen
Classification: Benign. Last evaluated: 2026-09-01. Review status: criteria provided, single submitter. Criteria: CeGaT Center For Human Genetics Tuebingen Variant Classification Criteria Version 2. Collection method: clinical testing. Allele origin: germline. Affected: yes. Observed: 13 variant alleles.
Comment: TCF7L2: BS1, BS2

PreventionGenetics, part of Exact Sciences
Classification: Likely benign for TCF7L2-related condition. Last evaluated: 2026-08-13. Review status: criteria provided, single submitter. Criteria: ACMG Guidelines, 2015. Collection method: clinical testing. Allele origin: germline.
Comment: This variant is classified as likely benign based on ACMG/AMP sequence variant interpretation guidelines (Richards et al. 2015 PMID: 25741868, with internal and published modifications).

Labcorp Genetics (formerly Invitae), Labcorp
Classification: Benign. Last evaluated: 2019-12-31. Review status: criteria provided, single submitter. Criteria: Invitae Variant Classification Sherloc (09022015). Collection method: clinical testing. Allele origin: germline.

Breakthrough Genomics
Classification: Benign. Review status: criteria provided, single submitter. Criteria: ACMG Guidelines, 2015. Collection method: not provided. Allele origin: germline. Inheritance: Autosomal dominant inheritance. Affected: yes.

NM_001367943.1(TCF7L2):c.1535C>A (p.Pro512His)

Gene: TCF7L2 (transcription factor 7 like 2; plus strand). Cytogenetic location: 10q25.3.
Variant type: single nucleotide variant.
Coding change: c.1535C>A on transcript NM_001367943.1 (MANE Select); coding-DNA position 1535, C replaced by A.
Protein change: p.Pro512His; replaces proline 512 with histidine.
Molecular consequence: missense variant. On other transcripts: 3 prime UTR variant (12).
Genome position (GRCh38, 1-based): chr10:113,165,647, C>A. VCF-style: chr10-113165647-C-A. GRCh37 (hg19) VCF-style: chr10-114925406-C-A.
Other names: c.1484C>A, p.Pro495His (NM_001146274.2); c.*13C>A (NM_001146283.2, NM_001146284.2, NM_001146286.2 and 4 more transcripts); c.1415C>A, p.Pro472His (NM_001146285.2, NM_001198526.2); c.*123C>A (NM_001198525.2); c.*111C>A (NM_001198527.2, NM_001198528.2, NM_001349870.2 and 1 more transcripts); c.1466C>A, p.Pro489His (NM_030756.5); short protein forms P472H, P489H, P495H, P512H.
Identifiers: ClinVar variation 771436 (VCV000771436.23), dbSNP rs77673441, ClinGen allele CA5693269.